The following is an entry in ClinVar:

ClinVar aggregate classification (germline): Uncertain significance. Review status: criteria provided, multiple submitters, no conflicts (2 of 4 stars). 2 submissions from 2 submitters: Uncertain significance (2). Last evaluated 2023-12-20.

Conditions:
Inborn genetic diseases. Identifiers: MedGen C0950123, MeSH D030342.

Allele frequency attached by ClinVar (database versions not stated): gnomAD exomes below 0.00001; TOPMed below 0.00001; gnomAD 0.00001.
gnomAD v4.1: 3 of 1,613,988 alleles (0.00019%); highest among the groups gnomAD compares: African/African-American, 0.0013%; no homozygotes.

Submissions (2):

Ambry Genetics
Classification: Uncertain significance for Inborn genetic diseases. Last evaluated: 2023-12-20. Review status: criteria provided, single submitter. Criteria: Ambry Variant Classification Scheme 2023. Collection method: clinical testing. Allele origin: germline.

Labcorp Genetics (formerly Invitae), Labcorp
Classification: Uncertain significance. Last evaluated: 2023-08-23. Review status: criteria provided, single submitter. Criteria: Invitae Variant Classification Sherloc (09022015). Collection method: clinical testing. Allele origin: germline.
Comment: This variant has not been reported in the literature in individuals affected with UCHL1-related conditions. This variant is not present in population databases (gnomAD no frequency). This sequence change replaces aspartic acid, which is acidic and polar, with glycine, which is neutral and non-polar, at codon 169 of the UCHL1 protein (p.Asp169Gly). ClinVar contains an entry for this variant (Variation ID: 1472584). In summary, the available evidence is currently insufficient to determine the role of this variant in disease. Therefore, it has been classified as a Variant of Uncertain Significance. An algorithm developed to predict the effect of missense changes on protein structure and function (PolyPhen-2) suggests that this variant is likely to be tolerated.

NM_004181.5(UCHL1):c.506A>G (p.Asp169Gly)

Gene: UCHL1 (ubiquitin C-terminal hydrolase L1; plus strand). Cytogenetic location: 4p13.
Variant type: single nucleotide variant.
Coding change: c.506A>G on transcript NM_004181.5 (MANE Select); coding-DNA position 506, A replaced by G.
Protein change: p.Asp169Gly; replaces aspartic acid 169 with glycine.
Molecular consequence: missense variant.
Genome position (GRCh38, 1-based): chr4:41,263,271, A>G. VCF-style: chr4-41263271-A-G. GRCh37 (hg19) VCF-style: chr4-41265288-A-G.
Other names: c.506A>G (NM_004181.4); short protein forms D169G.
Identifiers: ClinVar variation 1472584 (VCV001472584.9), dbSNP rs917125455, ClinGen allele CA95782237.
Genomic context (GRCh38, chr4:41,263,271, plus strand): 5'-TTGACTTTCTTTAGGTAGATGACAAGGTGAATTTCCATTTTATTCTGTTTAACAACGTGG[A>G]TGGCCACCTCTATGAACTTGGTATGTTTTACTCCATTTTTGGAACCCAGTGTAGTTTCAT-3'
Protein context (NP_004172.2, residues 159-179): NFHFILFNNV[Asp169Gly]GHLYELDGRM